The following is an entry in ClinVar:

NM_016023.5(OTUD6B):c.192_195del (p.Glu65fs)

Gene: OTUD6B (OTU deubiquitinase 6B; plus strand). Cytogenetic location: 8q21.3.
Variant type: Microsatellite.
Coding change: c.192_195del on transcript NM_016023.5 (MANE Select); coding-DNA positions 192 to 195, 4 bases deleted (AGAG; older notation c.192_195delAGAG).
Protein change: p.Glu65fs; shifts the reading frame from glutamic acid 65.
Molecular consequence: frameshift variant. On other transcripts: 5 prime UTR variant (1).
Genome position (GRCh38, 1-based): chr8:91,071,247-91,071,250, AGAG deleted; deleting any 4 consecutive bases within chr8:91,071,245-91,071,250 gives the same sequence; the c. name uses the placement nearest the transcript's 3' end. VCF-style (leftmost placement, unchanged base first): chr8-91071244-TAGAG-T. GRCh37 (hg19) VCF-style: chr8-92083472-TAGAG-T.
Other names: c.-254AG[1] (NM_001286745.3); short protein forms E65fs.
Identifiers: ClinVar variation 1333287 (VCV001333287.5), dbSNP rs748735420, ClinGen allele CA4804697.

ClinVar aggregate classification (germline): Pathogenic/Likely pathogenic. Review status: criteria provided, multiple submitters, no conflicts (2 of 4 stars). 3 submissions from 3 submitters: Pathogenic (2); Likely pathogenic (1). Last evaluated 2023-07-30.

Conditions:
Intellectual developmental disorder with dysmorphic facies, seizures, and distal limb anomalies (IDDFSDA). Identifiers: Orphanet 505237, MedGen C4479520, MONDO:0044319, OMIM 617452.

Submissions (3):

Revvity Omics, Revvity
Classification: Pathogenic for Intellectual developmental disorder with dysmorphic facies, seizures, and distal limb anomalies. Last evaluated: 2023-07-30. Review status: criteria provided, single submitter. Criteria: ACMG Guidelines, 2015. Collection method: clinical testing. Allele origin: germline.

Greenwood Genetic Center Diagnostic Laboratories, Greenwood Genetic Center
Classification: Likely pathogenic for Intellectual developmental disorder with dysmorphic facies, seizures, and distal limb anomalies. Last evaluated: 2023-03-22. Review status: criteria provided, single submitter. Criteria: ACMG Guidelines, 2015. Collection method: clinical testing. Allele origin: germline. Affected: yes.
Comment: PVS1, PM2

3billion
Classification: Pathogenic for Intellectual developmental disorder with dysmorphic facies, seizures, and distal limb anomalies. Last evaluated: 2022-01-03. Review status: criteria provided, single submitter. Criteria: ACMG Guidelines, 2015. Collection method: clinical testing. Allele origin: germline. Affected: yes. Observed: 1 homozygote.
Comment: Frameshift: predicted to result in a loss or disruption of normal protein function through nonsense-mediated decay (NMD) or protein truncation. Multiple pathogenic variants are reported downstream of the variant (PVS1_VS). It is observed at an extremely low frequency in the gnomAD v2.1.1 dataset (total allele frequency: 0.000016, PM2_M). Patient’s phenotype is considered compatible with OTUD6B-related disorder (PP4_P). Therefore, this variant is classified as pathogenic according to the recommendation of ACMG/AMP guideline.